The following is an entry in ClinVar:

NM_007294.4(BRCA1):c.4905G>A (p.Glu1635=)

Gene: BRCA1 (BRCA1 DNA repair associated; minus strand). Cytogenetic location: 17q21.31.
Variant type: single nucleotide variant.
Coding change: c.4905G>A on transcript NM_007294.4 (MANE Select); coding-DNA position 4905, G replaced by A.
Protein change: p.Glu1635=; no amino-acid change (glutamic acid 1635 retained).
Molecular consequence: synonymous variant. On other transcripts: intron variant (1).
Genome position (GRCh38, 1-based): chr17:43,071,009, C>T on the plus strand (G>A on the coding strand, the complement: BRCA1 is on the minus strand). VCF-style: chr17-43071009-C-T. GRCh37 (hg19) VCF-style: chr17-41223026-C-T.
Other names: c.1470G>A, p.Glu490= (NM_001408432.1, NM_001408433.1, NM_001408434.1 and 10 more transcripts); c.1467G>A, p.Glu489= (NM_001408445.1, NM_001408446.1, NM_001408447.1 and 2 more transcripts); c.1461G>A, p.Glu487= (NM_001408451.1); c.1455G>A, p.Glu485= (NM_001408452.1, NM_001408453.1, NM_001408454.1 and 3 more transcripts); c.1452G>A, p.Glu484= (NM_001408458.1, NM_001408459.1, NM_001408460.1 and 7 more transcripts); c.1449G>A, p.Glu483= (NM_001408468.1, NM_001408469.1, NM_001408470.1); c.1593G>A, p.Glu531= (NM_001408472.1, NM_007298.4, NM_007299.4 and 13 more transcripts); c.1590G>A, p.Glu530= (NM_001408473.1, NM_001408392.1, NM_001408396.1 and 8 more transcripts); and 71 more.
Identifiers: ClinVar variation 868841 (VCV000868841.3), dbSNP rs2052383010, ClinGen allele CA500231696.

Conditions:
Breast-ovarian cancer, familial, susceptibility to, 1 (BROVCA1). Also called: BRCA1 Hereditary Breast and Ovarian Cancer; OVARIAN CANCER, SUSCEPTIBILITY TO. Identifiers: Orphanet 145, MedGen C2676676, MONDO:0011450, OMIM 604370. Disease mechanism: loss of function.

Submission:

Brotman Baty Institute, University of Washington
No classification provided (evidence only). Condition: Breast-ovarian cancer, familial 1. Review status: no classification provided. Collection method: in vitro. Allele origin: not applicable. Functional consequence: functionally_normal.
ClinVar note: "not provided" was previously submitted as the classification for the variant. However, the classification appeared to be based only on an observation of functional data so it was converted to no classification on 2025-07-30.